The following is an entry in ClinVar:

NM_001457.4(FLNB):c.4402C>T (p.Pro1468Ser)

Gene: FLNB (filamin B; plus strand). Cytogenetic location: 3p14.3.
Variant type: single nucleotide variant.
Coding change: c.4402C>T on transcript NM_001457.4 (MANE Select); coding-DNA position 4402, C replaced by T.
Protein change: p.Pro1468Ser; replaces proline 1468 with serine.
Molecular consequence: missense variant.
Genome position (GRCh38, 1-based): chr3:58,132,819, C>T. VCF-style: chr3-58132819-C-T. GRCh37 (hg19) VCF-style: chr3-58118546-C-T.
Other names: c.4495C>T, p.Pro1499Ser (NM_001164317.2); c.4402C>T, p.Pro1468Ser (NM_001164318.2, NM_001164319.2); c.4402C>T (NM_001457.3); short protein forms P1468S, P1499S.
Identifiers: ClinVar variation 811327 (VCV000811327.9), dbSNP rs988254831, ClinGen allele CA75456843.

ClinVar aggregate classification (germline): Uncertain significance. Review status: criteria provided, multiple submitters, no conflicts (2 of 4 stars). 2 submissions from 2 submitters: Uncertain significance (2). Last evaluated 2025-02-20.

Conditions:
Inborn genetic diseases. Identifiers: MedGen C0950123, MeSH D030342.

Allele frequency attached by ClinVar (database versions not stated): TOPMed 0.00001.

Submissions (2):

Ambry Genetics
Classification: Uncertain significance for Inborn genetic diseases. Last evaluated: 2025-02-20. Review status: criteria provided, single submitter. Criteria: Ambry Variant Classification Scheme 2023. Collection method: clinical testing. Allele origin: germline.

ARUP Laboratories, Molecular Genetics and Genomics, ARUP Laboratories
Classification: Uncertain significance. Last evaluated: 2019-02-26. Review status: criteria provided, single submitter. Criteria: ARUP Molecular Germline Variant Investigation Process. Collection method: clinical testing. Allele origin: germline.
Comment: The FLNB c.4402C>T; p.Pro1468Ser variant (rs988254831), to our knowledge, is not described in the medical literature or in gene-specific databases. It is also absent from general population databases (Exome Variant Server and Genome Aggregation Database), indicating it is not a common polymorphism. The proline at codon 1468 is highly conserved, and computational algorithms (PolyPhen-2, SIFT) predict that this variant is deleterious. However, due to the lack of clinical and functional data regarding this variant, its clinical significance cannot be determined with certainty.